The following is an entry in ClinVar:

NM_005045.4(RELN):c.3994T>C (p.Phe1332Leu)

Gene: RELN (reelin; minus strand). Cytogenetic location: 7q22.1.
Variant type: single nucleotide variant.
Coding change: c.3994T>C on transcript NM_005045.4 (MANE Select); coding-DNA position 3994, T replaced by C.
Protein change: p.Phe1332Leu; replaces phenylalanine 1332 with leucine.
Molecular consequence: missense variant.
Genome position (GRCh38, 1-based): chr7:103,589,747, A>G on the plus strand (T>C on the coding strand, the complement: RELN is on the minus strand). VCF-style: chr7-103589747-A-G. GRCh37 (hg19) VCF-style: chr7-103230194-A-G.
Other names: c.3994T>C, p.Phe1332Leu (NM_173054.3); short protein forms F1332L.
Identifiers: ClinVar variation 4536969 (VCV004536969.1).

ClinVar aggregate classification (germline): Uncertain significance (1 of 4 stars; one submission).

Submission:

Women's Health and Genetics/Laboratory Corporation of America, LabCorp
Classification: Uncertain significance. Last evaluated: 2025-11-07. Review status: criteria provided, single submitter. Criteria: LabCorp Variant Classification Summary - May 2015. Collection method: clinical testing. Allele origin: germline.
Comment: Variant summary: RELN c.3994T>C (p.Phe1332Leu) results in a non-conservative amino acid change in the encoded protein sequence. Algorithms developed to predict the effect of missense changes on protein structure and function are either unavailable or do not agree on the potential impact of this missense change. The variant was absent in 250934 control chromosomes. The available data on variant occurrences in the general population are insufficient to allow any conclusion about variant significance. To our knowledge, no occurrence of c.3994T>C in individuals affected with RELN-related conditions and no experimental evidence demonstrating its impact on protein function have been reported. No submitters have cited clinical-significance assessments for this variant to ClinVar. Based on the evidence outlined above, the variant was classified as uncertain significance.